The following is an entry in ClinVar:

NM_000264.5(PTCH1):c.1666G>A (p.Val556Ile)

Gene: PTCH1 (patched 1; minus strand). Cytogenetic location: 9q22.32.
Variant type: single nucleotide variant.
Coding change: c.1666G>A on transcript NM_000264.5 (MANE Select); coding-DNA position 1666, G replaced by A.
Protein change: p.Val556Ile; replaces valine 556 with isoleucine.
Molecular consequence: missense variant. On other transcripts: non-coding transcript variant (1).
Genome position (GRCh38, 1-based): chr9:95,476,096, C>T on the plus strand (G>A on the coding strand, the complement: PTCH1 is on the minus strand). VCF-style: chr9-95476096-C-T. GRCh37 (hg19) VCF-style: chr9-98238378-C-T.
Other names: c.1468G>A, p.Val490Ile (NM_001083602.3); c.1663G>A, p.Val555Ile (NM_001083603.3); c.1213G>A, p.Val405Ile (NM_001083604.3, NM_001083605.3, NM_001083606.3 and 1 more transcripts); c.1510G>A, p.Val504Ile (NM_001354918.2); short protein forms V504I, V556I, V405I, V490I, V555I.
Identifiers: ClinVar variation 819772 (VCV000819772.13), dbSNP rs1318405179, ClinGen allele CA374118001.

ClinVar aggregate classification (germline): Conflicting classifications of pathogenicity. Review status: criteria provided, conflicting classifications (1 of 4 stars). 2 submissions from 2 submitters: Uncertain significance (1); Likely benign (1). Last evaluated 2024-10-12.

Conditions:
Hereditary cancer-predisposing syndrome. Also called: Hereditary Cancer Syndrome; Neoplastic Syndromes, Hereditary; Hereditary neoplastic syndrome; Tumor predisposition. Identifiers: Orphanet 140162, MedGen C0027672, MeSH D009386, MONDO:0015356.
Gorlin syndrome. Also called: Nevoid Basal Cell Carcinoma Syndrome; Basal cell nevus syndrome. Identifiers: Orphanet 377, MedGen C0004779, MONDO:0007187.

Allele frequency attached by ClinVar (database versions not stated): gnomAD exomes below 0.00001.

Submissions (2):

Ambry Genetics
Classification: Uncertain significance for Hereditary cancer-predisposing syndrome. Last evaluated: 2024-10-12. Review status: criteria provided, single submitter. Criteria: Ambry Variant Classification Scheme 2023. Collection method: clinical testing. Allele origin: germline.
Comment: The p.V556I variant (also known as c.1666G>A), located in coding exon 12 of the PTCH1 gene, results from a G to A substitution at nucleotide position 1666. The valine at codon 556 is replaced by isoleucine, an amino acid with highly similar properties. This amino acid position is highly conserved in available vertebrate species. In addition, the in silico prediction for this alteration is inconclusive. Since supporting evidence is limited at this time, the clinical significance of this alteration remains unclear.

Labcorp Genetics (formerly Invitae), Labcorp
Classification: Likely benign for Gorlin syndrome. Last evaluated: 2022-09-27. Review status: criteria provided, single submitter. Criteria: Invitae Variant Classification Sherloc (09022015). Collection method: clinical testing. Allele origin: germline.